The following is an entry in ClinVar:

NM_006329.4(FBLN5):c.869A>G (p.Asn290Ser)

Gene: FBLN5 (fibulin 5; minus strand). Cytogenetic location: 14q32.12.
Variant type: single nucleotide variant.
Coding change: c.869A>G on transcript NM_006329.4 (MANE Select); coding-DNA position 869, A replaced by G.
Protein change: p.Asn290Ser; replaces asparagine 290 with serine.
Molecular consequence: missense variant.
Genome position (GRCh38, 1-based): chr14:91,881,412, T>C on the plus strand (A>G on the coding strand, the complement: FBLN5 is on the minus strand). VCF-style: chr14-91881412-T-C. GRCh37 (hg19) VCF-style: chr14-92347756-T-C.
Other names: c.992A>G, p.Asn331Ser (NM_001384158.1); c.920A>G, p.Asn307Ser (NM_001384159.1); c.869A>G, p.Asn290Ser (NM_001384160.1); c.701A>G, p.Asn234Ser (NM_001384161.1, NM_001384162.1); short protein forms N331S, N307S, N234S, N290S.
Identifiers: ClinVar variation 1430746 (VCV001430746.8), dbSNP rs1889459844, ClinGen allele CA390642067.
Genomic context (GRCh38, chr14:91,881,412, plus strand): 5'-CCTTGTAAATTGTAGCACGTCTGCTGCAGGTTGCACGTGTGGTTCCTGTGCTCACATTCG[T>C]TGATGTCTGAAATGCAGGGGAGACAAGAAGCGGAGGCAGGGCATTATTGGCCAGGCCAGA-3'
Protein context (NP_006320.2, residues 280-300): LDDNRSCQDI[Asn290Ser]ECEHRNHTCN

ClinVar aggregate classification (germline): Uncertain significance (1 of 4 stars; one submission).

Allele frequency attached by ClinVar (database versions not stated): gnomAD 0.00001; TOPMed 0.00001.
gnomAD v4.1: 1 of 1,614,062 alleles (0.000062%); highest among the groups gnomAD compares: African/African-American, 0.0013%; no homozygotes.

Submission:

Labcorp Genetics (formerly Invitae), Labcorp
Classification: Uncertain significance. Last evaluated: 2023-10-03. Review status: criteria provided, single submitter. Criteria: Invitae Variant Classification Sherloc (09022015). Collection method: clinical testing. Allele origin: germline.
Comment: This sequence change replaces asparagine, which is neutral and polar, with serine, which is neutral and polar, at codon 290 of the FBLN5 protein (p.Asn290Ser). This variant is not present in population databases (gnomAD no frequency). This variant has not been reported in the literature in individuals affected with FBLN5-related conditions. ClinVar contains an entry for this variant (Variation ID: 1430746). Advanced modeling of protein sequence and biophysical properties (such as structural, functional, and spatial information, amino acid conservation, physicochemical variation, residue mobility, and thermodynamic stability) performed at Invitae indicates that this missense variant is expected to disrupt FBLN5 protein function. In summary, the available evidence is currently insufficient to determine the role of this variant in disease. Therefore, it has been classified as a Variant of Uncertain Significance.